The following is an entry in ClinVar:

NM_000426.4(LAMA2):c.3174+38A>G

Gene: LAMA2 (laminin subunit alpha 2; plus strand). Cytogenetic location: 6q22.33.
Variant type: single nucleotide variant.
Coding change: c.3174+38A>G on transcript NM_000426.4 (MANE Select); 38 bases into the intron after coding-DNA position 3174, A replaced by G.
Molecular consequence: intron variant.
Genome position (GRCh38, 1-based): chr6:129,300,910, A>G. VCF-style: chr6-129300910-A-G. GRCh37 (hg19) VCF-style: chr6-129622055-A-G.
Other names: c.3174+38A>G (NM_001079823.2).
Identifiers: ClinVar variation 256064 (VCV000256064.4), dbSNP rs902373, ClinGen allele CA3993189.
Genomic context (GRCh38, chr6:129,300,910, plus strand): 5'-ACAGCATTACCACTGGTTGTAAGGTGAGTGAACCACTTTTTTGCTCTGATAATTTTTTGG[A>G]GAGATTTTTGTTTTGTAGAGCTCTGTAATTGGGCATTTCAAAATTCAATATTACATCACA-3'

ClinVar aggregate classification (germline): Benign. Review status: criteria provided, multiple submitters, no conflicts (2 of 4 stars). 4 submissions from 3 submitters: Benign (4). Last evaluated 2021-08-19.

Conditions:
Merosin deficient congenital muscular dystrophy (MDC1A). Also called: Congenital merosin-deficient muscular dystrophy 1A; Congenital Muscular Dystrophy Type 1A (MDC1A). Identifiers: Orphanet 258, MedGen C1263858, MONDO:0011925, OMIM 607855.
Muscular dystrophy, limb-girdle, autosomal recessive 23. Identifiers: Orphanet 565837, MedGen C4748327, MONDO:0029136, OMIM 618138.

Allele frequency attached by ClinVar (database versions not stated): 1000 Genomes Project 30x 0.29809; 1000 Genomes Project 0.30371; TOPMed 0.33092; gnomAD 0.33937 and 0.34237; ESP Exome Variant Server 0.35384; gnomAD exomes 0.39584 and 0.42364; ExAC 0.39953.
gnomAD v4.1: 668,253 of 1,608,002 alleles (42%); highest among the groups gnomAD compares: Middle Eastern, 48%; 144,614 homozygotes.

Submissions (4):

Genome-Nilou Lab
Classification: Benign for Merosin deficient congenital muscular dystrophy. Last evaluated: 2021-08-19. Review status: criteria provided, single submitter. Criteria: ACMG Guidelines, 2015. Collection method: clinical testing. Allele origin: germline. Affected: no.

Genome-Nilou Lab
Classification: Benign for Muscular dystrophy, limb-girdle, autosomal recessive 23. Last evaluated: 2021-08-19. Review status: criteria provided, single submitter. Criteria: ACMG Guidelines, 2015. Collection method: clinical testing. Allele origin: germline. Affected: no.

GeneDx
Classification: Benign. Last evaluated: 2018-06-19. Review status: criteria provided, single submitter. Criteria: GeneDx Variant Classification (06012015). Collection method: clinical testing. Allele origin: germline. Affected: yes.
Comment: This variant is considered likely benign or benign based on one or more of the following criteria: it is a conservative change, it occurs at a poorly conserved position in the protein, it is predicted to be benign by multiple in silico algorithms, and/or has population frequency not consistent with disease.

PreventionGenetics, part of Exact Sciences
Classification: Benign. Review status: criteria provided, single submitter. Criteria: ACMG Guidelines, 2015. Collection method: clinical testing. Allele origin: germline.